The following is an entry in ClinVar:

NM_014714.4(IFT140):c.3345G>C (p.Glu1115Asp)

Gene: IFT140 (intraflagellar transport 140; minus strand). Cytogenetic location: 16p13.3.
Variant type: single nucleotide variant.
Coding change: c.3345G>C on transcript NM_014714.4 (MANE Select); coding-DNA position 3345, G replaced by C.
Protein change: p.Glu1115Asp; replaces glutamic acid 1115 with aspartic acid.
Molecular consequence: missense variant.
Genome position (GRCh38, 1-based): chr16:1,523,626, C>G on the plus strand (G>C on the coding strand, the complement: IFT140 is on the minus strand). VCF-style: chr16-1523626-C-G. GRCh37 (hg19) VCF-style: chr16-1573627-C-G.
Other names: short protein forms E1115D.
Identifiers: ClinVar variation 4807858 (VCV004807858.1).

ClinVar aggregate classification (germline): Uncertain significance (1 of 4 stars; one submission).

Conditions:
Saldino-Mainzer syndrome (SRTD9). Also called: CONORENAL SYNDROME; Renal dysplasia, retinal pigmentary dystrophy, cerebellar ataxia and skeletal dysplasia; SHORT-RIB THORACIC DYSPLASIA 9 WITHOUT POLYDACTYLY; short-rib thoracic dysplasia 9 with or without polydactyly. Identifiers: Orphanet 140969, MedGen C1849437, MONDO:0009964, OMIM 266920.

gnomAD v4.1: 2 of 1,613,892 alleles (0.00012%); highest among the groups gnomAD compares: Non-Finnish European, 0.00017%; no homozygotes.

Submission:

Labcorp Genetics (formerly Invitae), Labcorp
Classification: Uncertain significance for Saldino-Mainzer syndrome. Last evaluated: 2025-03-19. Review status: criteria provided, single submitter. Criteria: Invitae Variant Classification Sherloc (09022015). Collection method: clinical testing. Allele origin: germline.
Comment: This sequence change replaces glutamic acid, which is acidic and polar, with aspartic acid, which is acidic and polar, at codon 1115 of the IFT140 protein (p.Glu1115Asp). This variant is not present in population databases (gnomAD no frequency). This variant has not been reported in the literature in individuals affected with IFT140-related conditions. Invitae Evidence Modeling of protein sequence and biophysical properties (such as structural, functional, and spatial information, amino acid conservation, physicochemical variation, residue mobility, and thermodynamic stability) indicates that this missense variant is not expected to disrupt IFT140 protein function with a negative predictive value of 80%. In summary, the available evidence is currently insufficient to determine the role of this variant in disease. Therefore, it has been classified as a Variant of Uncertain Significance.